The following is an entry in ClinVar:

NM_002246.3(KCNK3):c.809C>G (p.Ala270Gly)

Gene: KCNK3 (potassium two pore domain channel subfamily K member 3; plus strand). Cytogenetic location: 2p23.3.
Variant type: single nucleotide variant.
Coding change: c.809C>G on transcript NM_002246.3 (MANE Select); coding-DNA position 809, C replaced by G.
Protein change: p.Ala270Gly; replaces alanine 270 with glycine.
Molecular consequence: missense variant.
Genome position (GRCh38, 1-based): chr2:26,728,192, C>G. VCF-style: chr2-26728192-C-G. GRCh37 (hg19) VCF-style: chr2-26951060-C-G.
Other names: short protein forms A270G.
Identifiers: ClinVar variation 1521451 (VCV001521451.8), dbSNP rs2148038662, ClinGen allele CA346262820.

ClinVar aggregate classification (germline): Uncertain significance (1 of 4 stars; one submission).

Conditions:
Pulmonary hypertension, primary, 4. Identifiers: Orphanet 422, MedGen C3809198, MONDO:0014136, OMIM 615344.

Submission:

Labcorp Genetics (formerly Invitae), Labcorp
Classification: Uncertain significance for Pulmonary hypertension, primary, 4. Last evaluated: 2022-09-06. Review status: criteria provided, single submitter. Criteria: Invitae Variant Classification Sherloc (09022015). Collection method: clinical testing. Allele origin: germline.
Comment: This sequence change replaces alanine, which is neutral and non-polar, with glycine, which is neutral and non-polar, at codon 270 of the KCNK3 protein (p.Ala270Gly). In summary, the available evidence is currently insufficient to determine the role of this variant in disease. Therefore, it has been classified as a Variant of Uncertain Significance. Algorithms developed to predict the effect of missense changes on protein structure and function (SIFT, PolyPhen-2, Align-GVGD) all suggest that this variant is likely to be tolerated. ClinVar contains an entry for this variant (Variation ID: 1521451). This variant has not been reported in the literature in individuals affected with KCNK3-related conditions. This variant is not present in population databases (gnomAD no frequency).